The following is an entry in ClinVar:

ClinVar aggregate classification (germline): Benign/Likely benign. Review status: criteria provided, multiple submitters, no conflicts (2 of 4 stars). 4 submissions from 4 submitters: Benign (1); Likely benign (2). 1 of the submissions does not count toward it. Last evaluated 2025-12-24.

Conditions:
Immunodeficiency 14 (IMD14A). Also called: IMMUNODEFICIENCY 14A WITH LYMPHOPROLIFERATION, AUTOSOMAL DOMINANT; ACTIVATED PI3K-DELTA SYNDROME 1; Activated PI3K Delta Syndrome Type 1 (APDS1); p110-DELTA-ACTIVATING MUTATION CAUSING SENESCENT T CELLS, LYMPHADENOPATHY, AND IMMUNODEFICIENCY. Identifiers: Orphanet 397596, Orphanet 693661, MedGen C5907821, MONDO:0014222, OMIM 615513.

Allele frequency attached by ClinVar (database versions not stated): gnomAD 0.00007 and 0.00013; TOPMed 0.00013; gnomAD exomes 0.00015 and 0.00017; ExAC 0.00027; 1000 Genomes Project 30x 0.00094; 1000 Genomes Project 0.00100.

Submissions (4):

Labcorp Genetics (formerly Invitae), Labcorp
Classification: Benign for Activated PI3K-delta syndrome. Last evaluated: 2025-12-24. Review status: criteria provided, single submitter. Criteria: Invitae Variant Classification Sherloc (09022015). Collection method: clinical testing. Allele origin: germline.

Blueprint Genetics
Classification: Likely benign. Last evaluated: 2024-11-13. Review status: criteria provided, single submitter. Criteria: ACMG Guidelines, 2015. Collection method: clinical testing. Allele origin: germline.

CeGaT Center for Human Genetics Tuebingen
Classification: Likely benign. Last evaluated: 2022-11-01. Review status: criteria provided, single submitter. Criteria: CeGaT Center For Human Genetics Tuebingen Variant Classification Criteria Version 2. Collection method: clinical testing. Allele origin: germline. Affected: yes. Observed: 1 variant allele.
Comment: PIK3CD: BP4, BP7

Genetic Services Laboratory, University of Chicago
Classification: Likely benign. Last evaluated: 2022-05-06. Review status: no assertion criteria provided. Collection method: clinical testing. Allele origin: germline. Affected: no. Not counted in ClinVar's aggregate classification.

NM_005026.5(PIK3CD):c.1629G>A (p.Pro543=)

Gene: PIK3CD (phosphatidylinositol-4,5-bisphosphate 3-kinase catalytic subunit delta; plus strand). Cytogenetic location: 1p36.22.
Variant type: single nucleotide variant.
Coding change: c.1629G>A on transcript NM_005026.5 (MANE Select); coding-DNA position 1629, G replaced by A.
Protein change: p.Pro543=; no amino-acid change (proline 543 retained).
Molecular consequence: synonymous variant.
Genome position (GRCh38, 1-based): chr1:9,720,849, G>A. VCF-style: chr1-9720849-G-A. GRCh37 (hg19) VCF-style: chr1-9780907-G-A.
Other names: c.1629G>A (NM_005026.4); c.1626G>A, p.Pro542= (NM_001350234.2); c.1542G>A, p.Pro514= (NM_001350235.1).
Identifiers: ClinVar variation 730185 (VCV000730185.36), dbSNP rs190710687, ClinGen allele CA577273.